The following is an entry in ClinVar:

ClinVar aggregate classification (germline): Uncertain significance (1 of 4 stars; one submission).

Conditions:
Pyridoxal phosphate-responsive seizures (PNPOD). Also called: Pyridoxine-5'-phosphate oxidase deficiency; Pyridoxal 5'-Phosphate (PLP)-Dependent Epilepsy; EPILEPTIC ENCEPHALOPATHY, NEONATAL, PNPO-RELATED; SEIZURES, PYRIDOXINE-RESISTANT, PLP-SENSITIVE; Pyridoxamine 5-Prime-Phosphate Oxidase Deficiency. Identifiers: Orphanet 79096, MedGen C1864723, MONDO:0012407, OMIM 610090. Disease mechanism: loss of function.

Submission:

Labcorp Genetics (formerly Invitae), Labcorp
Classification: Uncertain significance for Pyridoxal phosphate-responsive seizures. Last evaluated: 2022-06-27. Review status: criteria provided, single submitter. Criteria: Invitae Variant Classification Sherloc (09022015). Collection method: clinical testing. Allele origin: germline.
Comment: This sequence change replaces valine, which is neutral and non-polar, with isoleucine, which is neutral and non-polar, at codon 8 of the PNPO protein (p.Val8Ile). This variant is not present in population databases (gnomAD no frequency). This variant has not been reported in the literature in individuals affected with PNPO-related conditions. Algorithms developed to predict the effect of missense changes on protein structure and function are either unavailable or do not agree on the potential impact of this missense change (SIFT: "Tolerated"; PolyPhen-2: "Possibly Damaging"; Align-GVGD: "Class C0"). In summary, the available evidence is currently insufficient to determine the role of this variant in disease. Therefore, it has been classified as a Variant of Uncertain Significance.

NM_018129.4(PNPO):c.22G>A (p.Val8Ile)

Gene: PNPO (pyridoxamine 5'-phosphate oxidase; plus strand). Cytogenetic location: 17q21.32.
Variant type: single nucleotide variant.
Coding change: c.22G>A on transcript NM_018129.4 (MANE Select); coding-DNA position 22, G replaced by A.
Protein change: p.Val8Ile; replaces valine 8 with isoleucine.
Molecular consequence: missense variant.
Genome position (GRCh38, 1-based): chr17:47,941,697, G>A. VCF-style: chr17-47941697-G-A. GRCh37 (hg19) VCF-style: chr17-46019063-G-A.
Other names: short protein forms V8I.
Identifiers: ClinVar variation 1406608 (VCV001406608.5), dbSNP rs2144155842, ClinGen allele CA400054651.